The following is an entry in ClinVar:

NM_001365951.3(KIF1B):c.4903T>C (p.Cys1635Arg)

Gene: KIF1B (kinesin family member 1B; plus strand). Cytogenetic location: 1p36.22.
Variant type: single nucleotide variant.
Coding change: c.4903T>C on transcript NM_001365951.3 (MANE Select); coding-DNA position 4903, T replaced by C.
Protein change: p.Cys1635Arg; replaces cysteine 1635 with arginine.
Molecular consequence: missense variant.
Genome position (GRCh38, 1-based): chr1:10,371,219, T>C. VCF-style: chr1-10371219-T-C. GRCh37 (hg19) VCF-style: chr1-10431277-T-C.
Other names: c.4903T>C, p.Cys1635Arg (NM_001365952.1); c.4765T>C, p.Cys1589Arg (NM_015074.3); short protein forms C1589R, C1635R.
Identifiers: ClinVar variation 1742920 (VCV001742920.2), dbSNP rs2521952213, ClinGen allele CA338327688.
Genomic context (GRCh38, chr1:10,371,219, plus strand): 5'-ATTGGACGGGATCCCTCTGAGTCCAGTTTCAGCAGTGCCACCCTCACTCCCTCCTCCACC[T>C]GTCCCTCTCTGGTAGACTCTAGGAGCAACTCTCTGGATCAGAAGTAAGTACCCAGATTTC-3'
Protein context (NP_001352880.1, residues 1625-1645): SSATLTPSST[Cys1635Arg]PSLVDSRSNS

ClinVar aggregate classification (germline): Uncertain significance (1 of 4 stars; one submission).

Submission:

Ambry Genetics
Classification: Uncertain significance. Last evaluated: 2021-06-08. Review status: criteria provided, single submitter. Criteria: Ambry Variant Classification Scheme 2023. Collection method: clinical testing. Allele origin: germline.
Comment: The p.C1589R variant (also known as c.4765T>C), located in coding exon 42 of the KIF1B gene, results from a T to C substitution at nucleotide position 4765. The cysteine at codon 1589 is replaced by arginine, an amino acid with highly dissimilar properties. This amino acid position is highly conserved in available vertebrate species. In addition, the in silico prediction for this alteration is inconclusive. Since supporting evidence is limited at this time, the clinical significance of this alteration remains unclear.